The following is an entry in ClinVar:

NM_001042492.3(NF1):c.3106A>C (p.Lys1036Gln)

Gene: NF1 (neurofibromin 1; plus strand). Cytogenetic location: 17q11.2.
Variant type: single nucleotide variant.
Coding change: c.3106A>C on transcript NM_001042492.3 (MANE Select); coding-DNA position 3106, A replaced by C.
Protein change: p.Lys1036Gln; replaces lysine 1036 with glutamine.
Molecular consequence: missense variant.
Genome position (GRCh38, 1-based): chr17:31,230,375, A>C. VCF-style: chr17-31230375-A-C. GRCh37 (hg19) VCF-style: chr17-29557393-A-C.
Other names: c.3106A>C, p.Lys1036Gln (NM_000267.4); short protein forms K1036Q.
Identifiers: ClinVar variation 3634522 (VCV003634522.2).

ClinVar aggregate classification (germline): Uncertain significance (1 of 4 stars; one submission).

Conditions:
Neurofibromatosis, type 1 (NF1). Also called: VON RECKLINGHAUSEN DISEASE; Peripheral type neurofibromatosis; NEUROFIBROMATOSIS, TYPE I, SOMATIC; Neurofibromatosis, type I. Identifiers: Orphanet 636, MedGen C0027831, MONDO:0018975, OMIM 162200. Disease mechanism: loss of function.

Submission:

Labcorp Genetics (formerly Invitae), Labcorp
Classification: Uncertain significance for Neurofibromatosis, type 1. Last evaluated: 2024-03-07. Review status: criteria provided, single submitter. Criteria: Invitae Variant Classification Sherloc (09022015). Collection method: clinical testing. Allele origin: germline.
Comment: This sequence change replaces lysine, which is basic and polar, with glutamine, which is neutral and polar, at codon 1036 of the NF1 protein (p.Lys1036Gln). This variant is not present in population databases (gnomAD no frequency). This variant has not been reported in the literature in individuals affected with NF1-related conditions. Advanced modeling of protein sequence and biophysical properties (such as structural, functional, and spatial information, amino acid conservation, physicochemical variation, residue mobility, and thermodynamic stability) performed at Invitae indicates that this missense variant is expected to disrupt NF1 protein function with a positive predictive value of 95%. In summary, the available evidence is currently insufficient to determine the role of this variant in disease. Therefore, it has been classified as a Variant of Uncertain Significance.